The following is an entry in ClinVar:

ClinVar aggregate classification (germline): Pathogenic (1 of 4 stars; one submission).

Submission:

Quest Diagnostics Nichols Institute San Juan Capistrano
Classification: Pathogenic. Last evaluated: 2023-11-13. Review status: criteria provided, single submitter. Criteria: ACMG/ClinGen CNV Guidelines, 2019. Collection method: clinical testing. Allele origin: unknown.
Comment: This gain contains over 50 genes. Interstitial duplications of 9p24p21 fall within the broader partial trisomy 9p spectrum and have been described in association with a recurrent constellation of traits (Hulick 2009, Al Achkar 2010, Fujimoto 1998, Haddad 1996, Kowalczyk 2013). There are no similar copy number gains of this region in the general populations of the Database of Genomic Variants. Thus, based on current medical literature, this CNV is classified as pathogenic. References: Al Achkar et al., Mol Cytogenet. 2010 Oct 4:3:18. PMID: 20920324; Fujimoto et al., Am J Med Genet. 1998 May 26;77(4):268-71. PMID: 9600733; Haddad et al., J Med Genet. 1996 Dec;33(12):1045-7. PMID: 9004142; Hulick et al., Cytogenet Genome Res. 2009;126(3):305-12. PMID: 20068300; Kowalczyk et al., Cytogenet Genome Res. 2013;139(1):9-16. PMID: 22965227

GRCh37/hg19 9p24.3-21.2(chr9:203861-26397133)x3

Genes: ACER2 (alkaline ceramidase 2; plus strand), ADAMTSL1 (ADAMTS like 1; plus strand), AK3 (adenylate kinase 3; minus strand), BNC2 (basonuclin zinc finger protein 2; minus strand), BRD10 (bromodomain containing 10; minus strand) and 86 more. Cytogenetic location: 9p24.3-21.2.
Variant type: copy number gain.
Change: copy number 3 (three copies instead of two) of chr9:203,861-26,397,133 (26.19 Mb, GRCh37 coordinates, 1-based), cytogenetic band 9p24.3-21.2.
Identifiers: ClinVar variation 563682 (VCV000563682.1).